The following is an entry in ClinVar:

NM_133510.4(RAD51B):c.221G>C (p.Arg74Thr)

Gene: RAD51B (RAD51 paralog B; plus strand). Cytogenetic location: 14q24.1.
Variant type: single nucleotide variant.
Coding change: c.221G>C on transcript NM_133510.4 (MANE Select); coding-DNA position 221, G replaced by C.
Protein change: p.Arg74Thr; replaces arginine 74 with threonine.
Molecular consequence: missense variant. On other transcripts: 5 prime UTR variant (1).
Genome position (GRCh38, 1-based): chr14:67,835,102, G>C. VCF-style: chr14-67835102-G-C. GRCh37 (hg19) VCF-style: chr14-68301819-G-C.
Other names: c.221G>C, p.Arg74Thr (NM_001321809.2, NM_001321810.2, NM_001321812.1 and 6 more transcripts); c.107G>C, p.Arg36Thr (NM_001321815.1); c.-235G>C (NM_001321817.2); short protein forms R74T, R36T.
Identifiers: ClinVar variation 3786411 (VCV003786411.1).

ClinVar aggregate classification (germline): Uncertain significance (1 of 4 stars; one submission).

gnomAD v4.1: 3 of 1,612,952 alleles (0.00019%); highest among the groups gnomAD compares: Non-Finnish European, 0.00017%; no homozygotes.

Submission:

Ambry Genetics
Classification: Uncertain significance. Last evaluated: 2025-01-09. Review status: criteria provided, single submitter. Criteria: Ambry Variant Classification Scheme 2023. Collection method: clinical testing. Allele origin: germline.
Comment: The p.R74T variant (also known as c.221G>C), located in coding exon 3 of the RAD51B gene, results from a G to C substitution at nucleotide position 221. The arginine at codon 74 is replaced by threonine, an amino acid with similar properties. This amino acid position is conserved. In addition, this alteration is predicted to be tolerated by in silico analysis. Based on the available evidence, the clinical significance of this variant remains unclear.